The following is an entry in ClinVar:

NM_003002.4(SDHD):c.93C>T (p.Ile31=)

Gene: SDHD (succinate dehydrogenase complex subunit D; plus strand). Cytogenetic location: 11q23.1.
Variant type: single nucleotide variant.
Coding change: c.93C>T on transcript NM_003002.4 (MANE Select); coding-DNA position 93, C replaced by T.
Protein change: p.Ile31=; no amino-acid change (isoleucine 31 retained).
Molecular consequence: synonymous variant. On other transcripts: non-coding transcript variant (1), intron variant (1).
Genome position (GRCh38, 1-based): chr11:112,087,897, C>T. VCF-style: chr11-112087897-C-T. GRCh37 (hg19) VCF-style: chr11-111958621-C-T.
Other names: c.93C>T, p.Ile31= (NM_001276503.2, NM_001276506.2); c.52+938C>T (NM_001276504.2).
Identifiers: ClinVar variation 779787 (VCV000779787.18), dbSNP rs766096986, ClinGen allele CA071596.

ClinVar aggregate classification (germline): Benign/Likely benign. Review status: criteria provided, multiple submitters, no conflicts (2 of 4 stars). 5 submissions from 5 submitters: Benign (1); Likely benign (4). Last evaluated 2026-06-01.

Conditions:
Hereditary pheochromocytoma and paraganglioma. Also called: Hereditary pheochromocytoma-paraganglioma; Hereditary paragangliomas and pheochromocytomas; Hereditary Paraganglioma-Pheochromocytoma Syndromes. Identifiers: Orphanet 29072, MedGen C4274332, MONDO:0017366.
Carney-Stratakis syndrome. Also called: PARAGANGLIOMA AND GASTROINTESTINAL STROMAL TUMOR. Identifiers: Orphanet 97286, MedGen C1847319, MONDO:0011740, OMIM 606864.
Pheochromocytoma. Also called: MAX-Related Hereditary Paraganglioma-Pheochromocytoma Syndrome. Identifiers: Orphanet 29072, MedGen C0031511, MONDO:0008233, OMIM 171300, HP:0002666.
Paragangliomas with sensorineural hearing loss. Identifiers: MedGen C1868633.
Cowden syndrome 3 (CWS3). Identifiers: Orphanet 201, MedGen CN166604, MONDO:0014045.
Hereditary cancer-predisposing syndrome. Also called: Hereditary neoplastic syndrome; Neoplastic Syndromes, Hereditary; Hereditary Cancer Syndrome; Tumor predisposition. Identifiers: Orphanet 140162, MedGen C0027672, MeSH D009386, MONDO:0015356.
Pheochromocytoma/paraganglioma syndrome 1. Also called: PARAGANGLIOMATA; Paraganglioma - glomus jugulare; SDHD-Related Hereditary Paraganglioma-Pheochromocytoma Syndrome; Paragangliomas 1; Glomus tumors familial 1; PARAGANGLIOMAS, FAMILIAL NONCHROMAFFIN, 1. Identifiers: Orphanet 29072, MedGen C3494181, MONDO:0008192, OMIM 168000.

Allele frequency attached by ClinVar (database versions not stated): ExAC 0.00002.
gnomAD v4.1: 8 of 1,613,920 alleles (0.0005%); highest among the groups gnomAD compares: Admixed American, 0.013%; no homozygotes.

Submissions (5):

CeGaT Center for Human Genetics Tuebingen
Classification: Likely benign. Last evaluated: 2026-06-01. Review status: criteria provided, single submitter. Criteria: CeGaT Center For Human Genetics Tuebingen Variant Classification Criteria Version 2. Collection method: clinical testing. Allele origin: germline. Affected: yes. Observed: 1 variant allele.
Comment: SDHD: BP4, BP7

Labcorp Genetics (formerly Invitae), Labcorp
Classification: Likely benign for Carney-Stratakis syndrome; Paragangliomas with sensorineural hearing loss; Pheochromocytoma; Cowden syndrome 3. Last evaluated: 2025-12-30. Review status: criteria provided, single submitter. Criteria: Invitae Variant Classification Sherloc (09022015). Collection method: clinical testing. Allele origin: germline.

Myriad Genetics, Inc.
Classification: Benign for Pheochromocytoma/paraganglioma syndrome 1. Last evaluated: 2025-03-17. Review status: criteria provided, single submitter. Criteria: Myriad Autosomal Dominant, Autosomal Recessive and X-Linked Classification Criteria (2023). Collection method: clinical testing. Allele origin: unknown.
Comment: This variant is considered benign. This variant is a silent/synonymous amino acid change and it is not expected to impact splicing.

All of Us Research Program, National Institutes of Health
Classification: Likely benign for Hereditary pheochromocytoma and paraganglioma. Last evaluated: 2024-06-17. Review status: criteria provided, single submitter. Criteria: ACMG Guidelines, 2015. Collection method: clinical testing. Allele origin: germline. Inheritance: Autosomal dominant inheritance. Observed: 1 variant allele, 1 heterozygote.
Comment: This study involves interpretation of variants in research participants for the purpose of population health screening. Participant phenotype was not available at the time of variant classification. Additional details can be found in publication PMID: 35346344, PMCID: PMC8962531

Ambry Genetics
Classification: Likely benign for Hereditary cancer-predisposing syndrome. Last evaluated: 2021-03-17. Review status: criteria provided, single submitter. Criteria: Ambry Variant Classification Scheme 2023. Collection method: clinical testing. Allele origin: germline.